The following is an entry in ClinVar:

ClinVar aggregate classification (germline): Uncertain significance. Review status: criteria provided, multiple submitters, no conflicts (2 of 4 stars). 4 submissions from 4 submitters: Uncertain significance (4). Last evaluated 2026-08-01.

Conditions:
Aneurysm-osteoarthritis syndrome. Also called: SMAD3-Related Loeys-Dietz Syndrome; Loeys-Dietz syndrome, type 1C; ANEURYSMS-OSTEOARTHRITIS SYNDROME; LOEYS-DIETZ SYNDROME WITH OSTEOARTHRITIS. Identifiers: Orphanet 284984, MedGen C3151087, MONDO:0013426, OMIM 613795.
Familial thoracic aortic aneurysm and aortic dissection (TAAD). Also called: Thoracic aortic aneurysms and dissections. Identifiers: Orphanet 91387, MedGen C4707243, MONDO:0019625.

Submissions (4):

CeGaT Center for Human Genetics Tuebingen
Classification: Uncertain significance. Last evaluated: 2026-08-01. Review status: criteria provided, single submitter. Criteria: CeGaT Center For Human Genetics Tuebingen Variant Classification Criteria Version 2. Collection method: clinical testing. Allele origin: germline. Affected: yes. Observed: 1 variant allele.
Comment: SMAD3: PM2, PP2, PP3

Women's Health and Genetics/Laboratory Corporation of America, LabCorp
Classification: Uncertain significance. Last evaluated: 2023-08-20. Review status: criteria provided, single submitter. Criteria: LabCorp Variant Classification Summary - May 2015. Collection method: clinical testing. Allele origin: germline.

Fulgent Genetics
Classification: Uncertain significance for Aneurysm-osteoarthritis syndrome. Last evaluated: 2021-09-20. Review status: criteria provided, single submitter. Criteria: ACMG Guidelines, 2015. Collection method: clinical testing. Allele origin: unknown.

Labcorp Genetics (formerly Invitae), Labcorp
Classification: Uncertain significance for Familial thoracic aortic aneurysm and aortic dissection. Last evaluated: 2017-08-13. Review status: criteria provided, single submitter. Criteria: Invitae Variant Classification Sherloc (09022015). Collection method: clinical testing. Allele origin: germline.
Comment: This sequence change replaces valine with aspartic acid at codon 303 of the SMAD3 protein (p.Val303Asp). The valine residue is highly conserved and there is a large physicochemical difference between valine and aspartic acid. In summary, the available evidence is currently insufficient to determine the role of this variant in disease. Therefore, it has been classified as a Variant of Uncertain Significance. Algorithms developed to predict the effect of missense changes on protein structure and function do not agree on the potential impact of this missense change (SIFT: "Deleterious"; PolyPhen-2: "Probably Damaging"; Align-GVGD: "Class C15"). This variant has not been reported in the literature in individuals with SMAD3-related disease. This variant is not present in population databases (ExAC no frequency).

NM_005902.4(SMAD3):c.908T>A (p.Val303Asp)

Gene: SMAD3 (SMAD family member 3; plus strand). Cytogenetic location: 15q22.33.
Variant type: single nucleotide variant.
Coding change: c.908T>A on transcript NM_005902.4 (MANE Select); coding-DNA position 908, T replaced by A.
Protein change: p.Val303Asp; replaces valine 303 with aspartic acid.
Molecular consequence: missense variant.
Genome position (GRCh38, 1-based): chr15:67,184,763, T>A. VCF-style: chr15-67184763-T-A. GRCh37 (hg19) VCF-style: chr15-67477101-T-A.
Other names: c.593T>A, p.Val198Asp (NM_001145102.2); c.776T>A, p.Val259Asp (NM_001145103.2); c.323T>A, p.Val108Asp (NM_001145104.2); short protein forms V303D, V198D, V108D, V259D.
Identifiers: ClinVar variation 543891 (VCV000543891.11), dbSNP rs1555414011, ClinGen allele CA392956822.